The following is an entry in ClinVar:

NM_022042.4(SLC26A1):c.1115G>T (p.Arg372Leu)

Genes: IDUA (alpha-L-iduronidase; plus strand), SLC26A1 (solute carrier family 26 member 1; minus strand). Cytogenetic location: 4p16.3.
Variant type: single nucleotide variant.
Coding change: c.1115G>T on transcript NM_022042.4 (MANE Select); coding-DNA position 1115, G replaced by T.
Protein change: p.Arg372Leu; replaces arginine 372 with leucine.
Molecular consequence: missense variant. On other transcripts: intron variant (2).
Genome position (GRCh38, 1-based): chr4:989,824, C>A on the plus strand (G>T on the coding strand, the complement: SLC26A1 is on the minus strand). VCF-style: chr4-989824-C-A. GRCh37 (hg19) VCF-style: chr4-983612-C-A.
Other names: c.1115G>T, p.Arg372Leu (NM_213613.4); c.576+1304G>T (NM_134425.4); c.299+1875C>A (NM_000203.5); short protein forms R372L.
Identifiers: ClinVar variation 2502382 (VCV002502382.4), dbSNP rs73219719, ClinGen allele CA2801460.

ClinVar aggregate classification (germline): Uncertain significance. Review status: criteria provided, multiple submitters, no conflicts (2 of 4 stars). 2 submissions from 2 submitters: Uncertain significance (2). Last evaluated 2025-12-18.

Conditions:
Hyperoxaluria. Identifiers: MedGen C0020500, HP:0003159.

gnomAD v4.1: 69 of 1,580,256 alleles (0.0044%); highest among the groups gnomAD compares: Non-Finnish European, 0.0056%; no homozygotes.

Submissions (2):

Labcorp Genetics (formerly Invitae), Labcorp
Classification: Uncertain significance. Last evaluated: 2025-12-18. Review status: criteria provided, single submitter. Criteria: Invitae Variant Classification Sherloc (09022015). Collection method: clinical testing. Allele origin: germline.
Comment: This sequence change replaces arginine, which is basic and polar, with leucine, which is neutral and non-polar, at codon 372 of the SLC26A1 protein (p.Arg372Leu). This variant is present in population databases (rs73219719, gnomAD 0.008%). This variant has not been reported in the literature in individuals affected with SLC26A1-related conditions. ClinVar contains an entry for this variant (Variation ID: 2502382). Invitae Evidence Modeling of protein sequence and biophysical properties (such as structural, functional, and spatial information, amino acid conservation, physicochemical variation, residue mobility, and thermodynamic stability) indicates that this missense variant is not expected to disrupt SLC26A1 protein function with a negative predictive value of 80%. In summary, the available evidence is currently insufficient to determine the role of this variant in disease. Therefore, it has been classified as a Variant of Uncertain Significance.

Institute of Human Genetics, University of Leipzig Medical Center
Classification: Uncertain significance for Hyperoxaluria. Last evaluated: 2023-05-15. Review status: criteria provided, single submitter. Criteria: ACMG Guidelines, 2015. Collection method: research. Allele origin: unknown. Affected: no. Observed: 1 heterozygote.